The following is an entry in ClinVar:

NM_001384474.1(LOXHD1):c.2100G>A (p.Thr700=)

Gene: LOXHD1 (lipoxygenase homology PLAT domains 1; minus strand). Cytogenetic location: 18q21.1.
Variant type: single nucleotide variant.
Coding change: c.2100G>A on transcript NM_001384474.1 (MANE Select); coding-DNA position 2100, G replaced by A.
Protein change: p.Thr700=; no amino-acid change (threonine 700 retained).
Molecular consequence: synonymous variant.
Genome position (GRCh38, 1-based): chr18:46,569,586, C>T on the plus strand (G>A on the coding strand, the complement: LOXHD1 is on the minus strand). VCF-style: chr18-46569586-C-T. GRCh37 (hg19) VCF-style: chr18-44149549-C-T.
Other names: c.2100G>A, p.Thr700= (NM_144612.7).
Identifiers: ClinVar variation 47925 (VCV000047925.44), dbSNP rs367826075, ClinGen allele CA142198.

ClinVar aggregate classification (germline): Conflicting classifications of pathogenicity. Review status: criteria provided, conflicting classifications (1 of 4 stars). 7 submissions from 7 submitters: Uncertain significance (1); Likely benign (5). 1 of the submissions does not count toward it. Last evaluated 2025-12-08.

Conditions:
LOXHD1-related disorder. Also called: LOXHD1-related condition.
Autosomal recessive nonsyndromic hearing loss 77. Identifiers: Orphanet 90636, MedGen C2746083, MONDO:0013119, OMIM 613079.

Allele frequency attached by ClinVar (database versions not stated): gnomAD 0.00029 and 0.00030; gnomAD exomes 0.00030 and 0.00022; 1000 Genomes Project 30x 0.00031; ESP Exome Variant Server 0.00044; ExAC 0.00058; 1000 Genomes Project 0.00020; TOPMed 0.00022.
gnomAD v4.1: 345 of 1,551,690 alleles (0.022%); highest among the groups gnomAD compares: Non-Finnish European, 0.027%; no homozygotes.

Submissions (7):

Labcorp Genetics (formerly Invitae), Labcorp
Classification: Likely benign. Last evaluated: 2025-12-08. Review status: criteria provided, single submitter. Criteria: Invitae Variant Classification Sherloc (09022015). Collection method: clinical testing. Allele origin: germline.

PreventionGenetics, part of Exact Sciences
Classification: Likely benign for LOXHD1-related condition. Last evaluated: 2025-01-02. Review status: criteria provided, single submitter. Criteria: ACMG Guidelines, 2015. Collection method: clinical testing. Allele origin: germline.
Comment: This variant is classified as likely benign based on ACMG/AMP sequence variant interpretation guidelines (Richards et al. 2015 PMID: 25741868, with internal and published modifications).

Blueprint Genetics
Classification: Likely benign. Last evaluated: 2024-11-22. Review status: criteria provided, single submitter. Criteria: ACMG Guidelines, 2015. Collection method: clinical testing. Allele origin: germline.

CeGaT Center for Human Genetics Tuebingen
Classification: Likely benign. Last evaluated: 2024-01-01. Review status: criteria provided, single submitter. Criteria: CeGaT Center For Human Genetics Tuebingen Variant Classification Criteria Version 2. Collection method: clinical testing. Allele origin: germline. Affected: yes. Observed: 1 variant allele.
Comment: LOXHD1: BP4, BP7

Illumina Laboratory Services, Illumina
Classification: Uncertain significance for Autosomal recessive nonsyndromic hearing loss 77. Last evaluated: 2018-01-13. Review status: criteria provided, single submitter. Criteria: ICSL Variant Classification Criteria 13 December 2019. Collection method: clinical testing. Allele origin: germline.

Laboratory for Molecular Medicine, Mass General Brigham Personalized Medicine
Classification: Likely benign. Last evaluated: 2012-04-30. Review status: criteria provided, single submitter. Criteria: LMM Criteria. Collection method: clinical testing. Allele origin: germline. Observed: 2 variant alleles.
Comment: Thr700Thr in Exon 16 of LOXHD1: This variant is not expected to have clinical si gnificance because it does not alter an amino acid residue, is not located withi n the splice consensus sequence, and has been identified in 0.1% (2/2532) of Eur opean American chromosomes from a broad population by the NHLBI Exome Sequencing Project.

Natera, Inc.
Classification: Uncertain significance for Autosomal recessive deafness type 77. Last evaluated: 2020-01-17. Review status: no assertion criteria provided. Collection method: clinical testing. Allele origin: germline. Not counted in ClinVar's aggregate classification.